The following is an entry in ClinVar:

ClinVar aggregate classification (germline): Conflicting classifications of pathogenicity. Review status: criteria provided, conflicting classifications (1 of 4 stars). 2 submissions from 2 submitters: Uncertain significance (1); Benign (1). Last evaluated 2023-10-23.

Conditions:
Marfan syndrome (MFS). Also called: Marfan syndrome, classic; MARFAN SYNDROME, TYPE I; Marfan syndrome type 1; Marfan's syndrome; FBN1-Related Marfan Syndrome. Identifiers: Orphanet 284963, Orphanet 558, MedGen C0024796, MONDO:0007947, OMIM 154700.
Familial thoracic aortic aneurysm and aortic dissection (TAAD). Also called: Thoracic aortic aneurysms and dissections. Identifiers: Orphanet 91387, MedGen C4707243, MONDO:0019625.

Submissions (2):

All of Us Research Program, National Institutes of Health
Classification: Uncertain significance for Marfan syndrome. Last evaluated: 2023-10-23. Review status: criteria provided, single submitter. Criteria: ACMG Guidelines, 2015. Collection method: clinical testing. Allele origin: germline. Inheritance: Autosomal dominant inheritance. Observed: 1 variant allele, 1 heterozygote.
Comment: This variant causes a deletion of 1 nucleotide in intron 26 of the FBN1 gene. To our knowledge, functional studies have not been reported for this variant. This variant has not been reported in individuals affected with FBN1-related disorders in the literature. This variant has not been identified in the general population by the Genome Aggregation Database (gnomAD). The available evidence is insufficient to determine the role of this variant in disease conclusively. Therefore, this variant is classified as a Variant of Uncertain Significance.

This study involves interpretation of variants in research participants for the purpose of population health screening. Participant phenotype was not available at the time of variant classification. Additional details can be found in publication PMID: 35346344, PMCID: PMC8962531

Labcorp Genetics (formerly Invitae), Labcorp
Classification: Benign for Marfan syndrome; Familial thoracic aortic aneurysm and aortic dissection. Last evaluated: 2021-07-21. Review status: criteria provided, single submitter. Criteria: Invitae Variant Classification Sherloc (09022015). Collection method: clinical testing. Allele origin: germline.

NM_000138.5(FBN1):c.3209-7del

Gene: FBN1 (fibrillin 1; minus strand). Cytogenetic location: 15q21.1.
Variant type: Deletion.
Coding change: c.3209-7del on transcript NM_000138.5 (MANE Select); 7 bases into the intron before coding-DNA position 3209, one base deleted (T; older notation c.3209-7delT).
Molecular consequence: intron variant.
Genome position (GRCh38, 1-based): chr15:48,488,248, A deleted on the plus strand (T on the coding strand, the reverse complement: FBN1 is on the minus strand); the first of 5 consecutive A bases (chr15:48,488,248-48,488,252); deleting any one gives the same sequence. VCF-style (leftmost placement, unchanged base first): chr15-48488247-CA-C. GRCh37 (hg19) VCF-style: chr15-48780444-CA-C.
Identifiers: ClinVar variation 1594893 (VCV001594893.9), dbSNP rs2043526375, ClinGen allele CA2175516049.